The following is an entry in ClinVar:

ClinVar aggregate classification (germline): Uncertain significance (1 of 4 stars; one submission).

Allele frequency attached by ClinVar (database versions not stated): gnomAD exomes below 0.00001; ExAC 0.00001; gnomAD 0.00001.
gnomAD v4.1: 7 of 1,611,490 alleles (0.00043%); highest among the groups gnomAD compares: African/African-American, 0.0027%; no homozygotes.

Submission:

Labcorp Genetics (formerly Invitae), Labcorp
Classification: Uncertain significance. Last evaluated: 2022-02-20. Review status: criteria provided, single submitter. Criteria: Invitae Variant Classification Sherloc (09022015). Collection method: clinical testing. Allele origin: germline.
Comment: In summary, the available evidence is currently insufficient to determine the role of this variant in disease. Therefore, it has been classified as a Variant of Uncertain Significance. This sequence change replaces arginine, which is basic and polar, with cysteine, which is neutral and slightly polar, at codon 527 of the COL18A1 protein (p.Arg527Cys). This variant is present in population databases (rs771376510, gnomAD 0.003%). This variant has not been reported in the literature in individuals affected with COL18A1-related conditions. Experimental studies and prediction algorithms are not available or were not evaluated, and the functional significance of this variant is currently unknown.

NM_001379500.1(COL18A1):c.1579C>T (p.Arg527Cys)

Gene: COL18A1 (collagen type XVIII alpha 1 chain; plus strand). Cytogenetic location: 21q22.3.
Variant type: single nucleotide variant.
Coding change: c.1579C>T on transcript NM_001379500.1 (MANE Select); coding-DNA position 1579, C replaced by T.
Protein change: p.Arg527Cys; replaces arginine 527 with cysteine.
Molecular consequence: missense variant.
Genome position (GRCh38, 1-based): chr21:45,480,826, C>T. VCF-style: chr21-45480826-C-T. GRCh37 (hg19) VCF-style: chr21-46900740-C-T.
Other names: c.2119C>T, p.Arg707Cys (NM_030582.4); c.2824C>T, p.Arg942Cys (NM_130444.3); short protein forms R942C, R707C, R527C.
Identifiers: ClinVar variation 1946143 (VCV001946143.4), dbSNP rs771376510, ClinGen allele CA10066392.